The following is an entry in ClinVar:

ClinVar aggregate classification (germline): Pathogenic/Likely pathogenic. Review status: criteria provided, multiple submitters, no conflicts (2 of 4 stars). 2 submissions from 2 submitters: Pathogenic (1); Likely pathogenic (1). Last evaluated 2024-02-24.

Conditions:
Alstrom syndrome (ALMS). Identifiers: Orphanet 64, MedGen C0268425, MONDO:0008763, OMIM 203800.

Submissions (2):

Labcorp Genetics (formerly Invitae), Labcorp
Classification: Pathogenic for Alstrom syndrome. Last evaluated: 2024-02-24. Review status: criteria provided, single submitter. Criteria: Invitae Variant Classification Sherloc (09022015). Collection method: clinical testing. Allele origin: germline.
Comment: This sequence change creates a premature translational stop signal (p.Lys817Alafs*29) in the ALMS1 gene. It is expected to result in an absent or disrupted protein product. Loss-of-function variants in ALMS1 are known to be pathogenic (PMID: 17594715). This variant is present in population databases (rs765764128, gnomAD 0.0009%). This variant has not been reported in the literature in individuals affected with ALMS1-related conditions. ClinVar contains an entry for this variant (Variation ID: 1426591). For these reasons, this variant has been classified as Pathogenic.

Fulgent Genetics
Classification: Likely pathogenic for Alstrom syndrome. Last evaluated: 2021-10-17. Review status: criteria provided, single submitter. Criteria: ACMG Guidelines, 2015. Collection method: clinical testing. Allele origin: unknown.

Literature cited by the submitters: PubMed 17594715 (cited by Labcorp Genetics (formerly Invitae), Labcorp).

NM_001378454.1(ALMS1):c.2445_2446del (p.Lys816fs)

Gene: ALMS1 (ALMS1 centrosome and basal body associated protein; plus strand). Cytogenetic location: 2p13.1.
Variant type: Microsatellite.
Coding change: c.2445_2446del on transcript NM_001378454.1 (MANE Select); coding-DNA positions 2445 to 2446, 2 bases deleted (GA; older notation c.2445_2446delGA).
Protein change: p.Lys816fs; shifts the reading frame from lysine 816.
Molecular consequence: frameshift variant.
Genome position (GRCh38, 1-based): chr2:73,448,972-73,448,973, GA deleted; deleting any 2 consecutive bases within chr2:73,448,967-73,448,973 gives the same sequence; the c. name uses the placement nearest the transcript's 3' end. VCF-style (leftmost placement, unchanged base first): chr2-73448966-CAG-C. GRCh37 (hg19) VCF-style: chr2-73676093-CAG-C.
Other names: c.2448_2449del, p.Lys817fs (NM_015120.4); short protein forms K817fs, K816fs.
Identifiers: ClinVar variation 1426591 (VCV001426591.7), dbSNP rs765764128, ClinGen allele CA1713344.